The following is an entry in ClinVar:

NM_016169.4(SUFU):c.73dup (p.Ala25fs)

Genes: SUFU (SUFU negative regulator of hedgehog signaling; plus strand), LOC130004614 (ATAC-STARR-seq lymphoblastoid silent region 2764; plus strand). Cytogenetic location: 10q24.32.
Variant type: Duplication.
Coding change: c.73dup on transcript NM_016169.4 (MANE Select); coding-DNA position 73, one base duplicated (G; older notation c.73dupG).
Protein change: p.Ala25fs; shifts the reading frame from alanine 25.
Molecular consequence: frameshift variant.
Genome position (GRCh38, 1-based): chr10:102,504,225, G duplicated; the last of 2 consecutive G bases (chr10:102,504,224-102,504,225); duplicating either gives the same sequence. VCF-style (leftmost placement, unchanged base first): chr10-102504223-C-CG. GRCh37 (hg19) VCF-style: chr10-104263980-C-CG.
Other names: c.73dup, p.Ala25fs (NM_001178133.2); short protein forms A25fs.
Identifiers: ClinVar variation 1458799 (VCV001458799.6), dbSNP rs2135597894, ClinGen allele CA2573145479.

ClinVar aggregate classification (germline): Pathogenic (1 of 4 stars; one submission).

Conditions:
Gorlin syndrome. Also called: Nevoid Basal Cell Carcinoma Syndrome; Basal cell nevus syndrome. Identifiers: Orphanet 377, MedGen C0004779, MONDO:0007187.
Medulloblastoma (MDB). Also called: Medulloblastoma, somatic; MEDULLOBLASTOMA PREDISPOSITION SYNDROME. Identifiers: Orphanet 616, MedGen C0025149, MeSH D008527, MONDO:0007959, OMIM 155255, HP:0002885.

Submission:

Labcorp Genetics (formerly Invitae), Labcorp
Classification: Pathogenic for Gorlin syndrome; Medulloblastoma. Last evaluated: 2025-10-29. Review status: criteria provided, single submitter. Criteria: Invitae Variant Classification Sherloc (09022015). Collection method: clinical testing. Allele origin: germline.
Comment: This sequence change creates a premature translational stop signal (p.Ala25Glyfs*23) in the SUFU gene. It is expected to result in an absent or disrupted protein product. Loss-of-function variants in SUFU are known to be pathogenic (PMID: 22508808, 25403219, 33024317). This variant is not present in population databases (gnomAD no frequency). This premature translational stop signal has been observed in individual(s) with SUFU-related conditions (PMID: 19833601). ClinVar contains an entry for this variant (Variation ID: 1458799). For these reasons, this variant has been classified as Pathogenic.

Literature cited by the submitters: PubMed 22508808; PubMed 25403219; PubMed 33024317; PubMed 19833601.